The following is an entry in ClinVar:

ClinVar aggregate classification (germline): Uncertain significance (1 of 4 stars; one submission).

Conditions:
Inborn genetic diseases. Identifiers: MedGen C0950123, MeSH D030342.

gnomAD v4.1: 4 of 1,614,130 alleles (0.00025%); highest among the groups gnomAD compares: South Asian, 0.0011%; no homozygotes.

Submission:

Ambry Genetics
Classification: Uncertain significance for Inborn genetic diseases. Last evaluated: 2026-06-03. Review status: criteria provided, single submitter. Criteria: Ambry Variant Classification Scheme 2023. Collection method: clinical testing. Allele origin: germline.
Comment: The c.695C>T (p.A232V) alteration is located in exon 6 (coding exon 6) of the CCM2 gene. This alteration results from a C to T substitution at nucleotide position 695, causing the alanine (A) at amino acid position 232 to be replaced by a valine (V). Based on data from gnomAD, the T allele has an overall frequency of <0.001% (1/251422) total alleles studied. The highest observed frequency was 0.001% (1/113748) of European (non-Finnish) alleles. Based on insufficient or conflicting evidence, the clinical significance of this alteration remains unclear.

NM_031443.4(CCM2):c.695C>T (p.Ala232Val)

Gene: CCM2 (CCM2 scaffold protein; plus strand). Cytogenetic location: 7p13.
Variant type: single nucleotide variant.
Coding change: c.695C>T on transcript NM_031443.4 (MANE Select); coding-DNA position 695, C replaced by T.
Protein change: p.Ala232Val; replaces alanine 232 with valine.
Molecular consequence: missense variant. On other transcripts: non-coding transcript variant (1), intron variant (1).
Genome position (GRCh38, 1-based): chr7:45,069,911, C>T. VCF-style: chr7-45069911-C-T. GRCh37 (hg19) VCF-style: chr7-45109510-C-T.
Other names: c.758C>T, p.Ala253Val (NM_001029835.2); c.521C>T, p.Ala174Val (NM_001167934.2, NM_001363459.2); c.695C>T, p.Ala232Val (NM_001363458.2); c.473-2815C>T (NM_001167935.2); short protein forms A174V, A232V, A253V.
Identifiers: ClinVar variation 4868314 (VCV004868314.1).